The following is an entry in ClinVar:

ClinVar aggregate classification (germline): Likely benign (1 of 4 stars; one submission).

gnomAD v4.1: 39 of 1,610,278 alleles (0.0024%); highest among the groups gnomAD compares: East Asian, 0.0067%; no homozygotes.

Submission:

CeGaT Center for Human Genetics Tuebingen
Classification: Likely benign. Last evaluated: 2025-05-01. Review status: criteria provided, single submitter. Criteria: CeGaT Center For Human Genetics Tuebingen Variant Classification Criteria Version 2. Collection method: clinical testing. Allele origin: germline. Affected: yes. Observed: 1 variant allele.
Comment: ZNF292: BP4, BP7

NM_015021.3(ZNF292):c.7944C>T (p.Ser2648=)

Gene: ZNF292 (zinc finger protein 292; plus strand). Cytogenetic location: 6q14.3.
Variant type: single nucleotide variant.
Coding change: c.7944C>T on transcript NM_015021.3 (MANE Select); coding-DNA position 7944, C replaced by T.
Protein change: p.Ser2648=; no amino-acid change (serine 2648 retained).
Molecular consequence: synonymous variant.
Genome position (GRCh38, 1-based): chr6:87,261,573, C>T. VCF-style: chr6-87261573-C-T. GRCh37 (hg19) VCF-style: chr6-87971291-C-T.
Other names: c.7524C>T, p.Ser2508= (NM_001351444.2).
Identifiers: ClinVar variation 3905310 (VCV003905310.10).